The following is an entry in ClinVar:

ClinVar aggregate classification (germline): Uncertain significance (1 of 4 stars; one submission).

Conditions:
Autosomal recessive limb-girdle muscular dystrophy type R18 (LGMDR18). Also called: MUSCULAR DYSTROPHY, LIMB-GIRDLE, AUTOSOMAL RECESSIVE 18; Autosomal recessive limb-girdle muscular dystrophy type 2S; Limb-girdle muscular dystrophy, type 2S. Identifiers: Orphanet 369840, MedGen C4517996, MONDO:0014144, OMIM 615356.

Allele frequency attached by ClinVar (database versions not stated): TOPMed 0.00001; gnomAD exomes 0.00002.
gnomAD v4.1: 27 of 1,613,770 alleles (0.0017%); highest among the groups gnomAD compares: Non-Finnish European, 0.0023%; no homozygotes.

Submission:

Labcorp Genetics (formerly Invitae), Labcorp
Classification: Uncertain significance for Autosomal recessive limb-girdle muscular dystrophy type R18. Last evaluated: 2022-08-04. Review status: criteria provided, single submitter. Criteria: Invitae Variant Classification Sherloc (09022015). Collection method: clinical testing. Allele origin: germline.
Comment: In summary, the available evidence is currently insufficient to determine the role of this variant in disease. Therefore, it has been classified as a Variant of Uncertain Significance. Algorithms developed to predict the effect of missense changes on protein structure and function (SIFT, PolyPhen-2, Align-GVGD) all suggest that this variant is likely to be disruptive. This variant has not been reported in the literature in individuals affected with TRAPPC11-related conditions. This variant is not present in population databases (gnomAD no frequency). This sequence change replaces proline, which is neutral and non-polar, with leucine, which is neutral and non-polar, at codon 549 of the TRAPPC11 protein (p.Pro549Leu).

NM_021942.6(TRAPPC11):c.1646C>T (p.Pro549Leu)

Gene: TRAPPC11 (trafficking protein particle complex subunit 11; plus strand). Cytogenetic location: 4q35.1.
Variant type: single nucleotide variant.
Coding change: c.1646C>T on transcript NM_021942.6 (MANE Select); coding-DNA position 1646, C replaced by T.
Protein change: p.Pro549Leu; replaces proline 549 with leucine.
Molecular consequence: missense variant.
Genome position (GRCh38, 1-based): chr4:183,685,287, C>T. VCF-style: chr4-183685287-C-T. GRCh37 (hg19) VCF-style: chr4-184606440-C-T.
Other names: c.1646C>T, p.Pro549Leu (NM_199053.3); short protein forms P549L.
Identifiers: ClinVar variation 2165899 (VCV002165899.4), dbSNP rs1235658373, ClinGen allele CA358868150.